The following is an entry in ClinVar:

ClinVar aggregate classification (germline): Likely pathogenic (1 of 4 stars; one submission).

Submission:

Labcorp Genetics (formerly Invitae), Labcorp
Classification: Likely pathogenic. Last evaluated: 2020-12-28. Review status: criteria provided, single submitter. Criteria: Invitae Variant Classification Sherloc (09022015). Collection method: clinical testing. Allele origin: germline.
Comment: Advanced modeling of protein sequence and biophysical properties (such as structural, functional, and spatial information, amino acid conservation, physicochemical variation, residue mobility, and thermodynamic stability) performed at Invitae indicates that this missense variant is expected to disrupt CACNA1E protein function. In summary, the currently available evidence indicates that the variant is pathogenic, but additional data are needed to prove that conclusively. Therefore, this variant has been classified as Likely Pathogenic. This variant disrupts the p.Gly690 amino acid residue in CACNA1E. Other variant(s) that disrupt this residue have been determined to be pathogenic (PMID: 30343943). This suggests that this residue is clinically significant, and that variants that disrupt this residue are likely to be disease-causing. This variant has not been reported in the literature in individuals with CACNA1E-related conditions. This variant is not present in population databases (ExAC no frequency). This sequence change replaces glycine with valine at codon 690 of the CACNA1E protein (p.Gly690Val). The glycine residue is highly conserved and there is a moderate physicochemical difference between glycine and valine.

Literature cited by the submitters: PubMed 30343943.

NM_001205293.3(CACNA1E):c.2069G>T (p.Gly690Val)

Gene: CACNA1E (calcium voltage-gated channel subunit alpha1 E; plus strand). Cytogenetic location: 1q25.3.
Variant type: single nucleotide variant.
Coding change: c.2069G>T on transcript NM_001205293.3 (MANE Select); coding-DNA position 2069, G replaced by T.
Protein change: p.Gly690Val; replaces glycine 690 with valine.
Molecular consequence: missense variant.
Genome position (GRCh38, 1-based): chr1:181,721,870, G>T. VCF-style: chr1-181721870-G-T. GRCh37 (hg19) VCF-style: chr1-181691006-G-T.
Other names: c.2069G>T, p.Gly690Val (NM_000721.4, NM_001205294.2); short protein forms G690V.
Identifiers: ClinVar variation 1346057 (VCV001346057.8), dbSNP rs1361083258, ClinGen allele CA343627702.
Genomic context (GRCh38, chr1:181,721,870, plus strand): 5'-AGGGTGGGGTCAGCTCAGGCATGTGGTCTGCCATCTACTTCATTGTGCTCACCTTGTTTG[G>T]CAACTGTATCCTTTTTAAGATGCACCTCCTCAAGCTGCCTGCCTTCCTGGACCAGCATTT-3'
Protein context (NP_001192222.1, residues 680-700): AIYFIVLTLF[Gly690Val]NYTLLNVFLA